The following is an entry in ClinVar:

NM_020461.4(TUBGCP6):c.2029C>G (p.Arg677Gly)

Gene: TUBGCP6 (tubulin gamma complex component 6; minus strand). Cytogenetic location: 22q13.33.
Variant type: single nucleotide variant.
Coding change: c.2029C>G on transcript NM_020461.4 (MANE Select); coding-DNA position 2029, C replaced by G.
Protein change: p.Arg677Gly; replaces arginine 677 with glycine.
Molecular consequence: missense variant.
Genome position (GRCh38, 1-based): chr22:50,224,547, G>C on the plus strand (C>G on the coding strand, the complement: TUBGCP6 is on the minus strand). VCF-style: chr22-50224547-G-C. GRCh37 (hg19) VCF-style: chr22-50662976-G-C.
Other names: short protein forms R677G.
Identifiers: ClinVar variation 2130175 (VCV002130175.4), dbSNP rs761706269, ClinGen allele CA412103722.

ClinVar aggregate classification (germline): Uncertain significance (1 of 4 stars; one submission).

Submission:

Labcorp Genetics (formerly Invitae), Labcorp
Classification: Uncertain significance. Last evaluated: 2023-11-27. Review status: criteria provided, single submitter. Criteria: Invitae Variant Classification Sherloc (09022015). Collection method: clinical testing. Allele origin: germline.
Comment: This sequence change replaces arginine, which is basic and polar, with glycine, which is neutral and non-polar, at codon 677 of the TUBGCP6 protein (p.Arg677Gly). This variant is not present in population databases (gnomAD no frequency). This variant has not been reported in the literature in individuals affected with TUBGCP6-related conditions. ClinVar contains an entry for this variant (Variation ID: 2130175). An algorithm developed to predict the effect of missense changes on protein structure and function (PolyPhen-2) suggests that this variant is likely to be disruptive. In summary, the available evidence is currently insufficient to determine the role of this variant in disease. Therefore, it has been classified as a Variant of Uncertain Significance.